The following is an entry in ClinVar:

ClinVar aggregate classification (germline): Benign/Likely benign. Review status: criteria provided, multiple submitters, no conflicts (2 of 4 stars). 7 submissions from 7 submitters: Benign (6); Likely benign (1). Last evaluated 2026-02-04.

Conditions:
Osteopetrosis. Identifiers: Orphanet 2781, MedGen C0029454, MONDO:0017198, HP:0011002.

Allele frequency attached by ClinVar (database versions not stated): 1000 Genomes Project 0.06909; 1000 Genomes Project 30x 0.07089; gnomAD exomes 0.07772; ExAC 0.07862; gnomAD 0.09980 and 0.10339; TOPMed 0.10721; ESP Exome Variant Server 0.11682.
gnomAD v4.1: 162,004 of 1,609,752 alleles (10%); highest among the groups gnomAD compares: African/African-American, 13%; 9,054 homozygotes.

Submissions (7):

Labcorp Genetics (formerly Invitae), Labcorp
Classification: Benign. Last evaluated: 2026-02-04. Review status: criteria provided, single submitter. Criteria: Invitae Variant Classification Sherloc (09022015). Collection method: clinical testing. Allele origin: germline.

Blueprint Genetics
Classification: Likely benign. Last evaluated: 2024-11-27. Review status: criteria provided, single submitter. Criteria: ACMG Guidelines, 2015. Collection method: clinical testing. Allele origin: germline.

Mayo Clinic Laboratories, Mayo Clinic
Classification: Benign. Last evaluated: 2022-09-06. Review status: criteria provided, single submitter. Criteria: ACMG Guidelines, 2015. Collection method: clinical testing. Allele origin: germline. Observed: 10 variant alleles.

GeneDx
Classification: Benign. Last evaluated: 2018-11-10. Review status: criteria provided, single submitter. Criteria: GeneDx Variant Classification Process June 2021. Collection method: clinical testing. Allele origin: germline. Affected: yes.

Illumina Laboratory Services, Illumina
Classification: Benign for Osteopetrosis. Last evaluated: 2018-01-12. Review status: criteria provided, single submitter. Criteria: ICSL Variant Classification Criteria 13 December 2019. Collection method: clinical testing. Allele origin: germline.
Comment: This variant was observed in the ICSL laboratory as part of a predisposition screen in an ostensibly healthy population. It had not been previously curated by ICSL or reported in the Human Gene Mutation Database (HGMD: prior to June 1st, 2018), and was therefore a candidate for classification through an automated scoring system. Utilizing variant allele frequency, disease prevalence and penetrance estimates, and inheritance mode, an automated score was calculated to assess if this variant is too frequent to cause the disease. Based on the score and internal cut-off values, a variant classified as benign is not then subjected to further curation. The score for this variant resulted in a classification of benign for this disease.

Breakthrough Genomics
Classification: Benign. Review status: criteria provided, single submitter. Criteria: ACMG Guidelines, 2015. Collection method: not provided. Allele origin: germline. Inheritance: Autosomal recessive inheritance. Affected: yes.

PreventionGenetics, part of Exact Sciences
Classification: Benign. Review status: criteria provided, single submitter. Criteria: ACMG Guidelines, 2015. Collection method: clinical testing. Allele origin: germline.

NM_001287.6(CLCN7):c.1798-8G>A

Gene: CLCN7 (Cl-/H+ antiporter 7; minus strand). Cytogenetic location: 16p13.3.
Variant type: single nucleotide variant.
Coding change: c.1798-8G>A on transcript NM_001287.6 (MANE Select); 8 bases into the intron before coding-DNA position 1798, G replaced by A.
Molecular consequence: intron variant.
Genome position (GRCh38, 1-based): chr16:1,448,774, C>T on the plus strand (G>A on the coding strand, the complement: CLCN7 is on the minus strand). VCF-style: chr16-1448774-C-T. GRCh37 (hg19) VCF-style: chr16-1498775-C-T.
Other names: p.?; c.1726-8G>A (NM_001114331.3).
Identifiers: ClinVar variation 257954 (VCV000257954.20), dbSNP rs35915213, ClinGen allele CA7810050.
Genomic context (GRCh38, chr16:1,448,774, plus strand): 5'-TCCCAGTGCAGGAAGGGCACACTCTGCAGCTGAATGTGCATGTCGTACAGGCCCTGCGGG[C>T]GGGGCGGGAACACAGGGCTTGAGGAGTCCACACCCACCCCTGGAGCCCCGAGCCTACCCC-3'